The following is an entry in ClinVar:

NM_000059.4(BRCA2):c.5708T>C (p.Ile1903Thr)

Gene: BRCA2 (BRCA2 DNA repair associated; plus strand). Cytogenetic location: 13q13.1.
Variant type: single nucleotide variant.
Coding change: c.5708T>C on transcript NM_000059.4 (MANE Select); coding-DNA position 5708, T replaced by C.
Protein change: p.Ile1903Thr; replaces isoleucine 1903 with threonine.
Molecular consequence: missense variant.
Genome position (GRCh38, 1-based): chr13:32,340,063, T>C. VCF-style: chr13-32340063-T-C. GRCh37 (hg19) VCF-style: chr13-32914200-T-C.
Other names: short protein forms I1903T.
Identifiers: ClinVar variation 441323 (VCV000441323.24), dbSNP rs149474191, ClinGen allele CA247511407.

ClinVar aggregate classification (germline): Conflicting classifications of pathogenicity. Review status: criteria provided, conflicting classifications (1 of 4 stars). 6 submissions from 6 submitters: Uncertain significance (5); Likely benign (1). Last evaluated 2025-10-04.

Conditions:
Hereditary cancer-predisposing syndrome. Also called: Hereditary Cancer Syndrome; Tumor predisposition; Hereditary neoplastic syndrome; Neoplastic Syndromes, Hereditary. Identifiers: Orphanet 140162, MedGen C0027672, MeSH D009386, MONDO:0015356.
Hereditary breast ovarian cancer syndrome. Also called: Hereditary breast and/or ovarian cancer syndrome; BRCA1- and BRCA2-Associated Hereditary Breast and Ovarian Cancer; Hereditary breast and ovarian cancer syndrome (HBOC); Hereditary breast and ovarian cancer syndrome; Breast and ovarian cancer; Hereditary breast and ovarian cancer. Identifiers: Orphanet 145, MedGen C0677776, MeSH D061325, MONDO:0003582. Disease mechanism: loss of function.
Breast-ovarian cancer, familial, susceptibility to, 2 (BROVCA2). Also called: BRCA2 Hereditary Breast and Ovarian Cancer. Identifiers: Orphanet 145, MedGen C2675520, MONDO:0012933, OMIM 612555. Disease mechanism: loss of function.

Allele frequency attached by ClinVar (database versions not stated): gnomAD exomes below 0.00001 and 0.00001; 1000 Genomes Project 30x 0.00016; 1000 Genomes Project 0.00020; gnomAD 0.00001.
gnomAD v4.1: 11 of 1,613,872 alleles (0.00068%); highest among the groups gnomAD compares: East Asian, 0.02%; no homozygotes.

Submissions (6):

Labcorp Genetics (formerly Invitae), Labcorp
Classification: Uncertain significance for Hereditary breast ovarian cancer syndrome. Last evaluated: 2025-10-04. Review status: criteria provided, single submitter. Criteria: Invitae Variant Classification Sherloc (09022015). Collection method: clinical testing. Allele origin: germline.
Comment: This sequence change replaces isoleucine, which is neutral and non-polar, with threonine, which is neutral and polar, at codon 1903 of the BRCA2 protein (p.Ile1903Thr). This variant is not present in population databases (gnomAD no frequency). This missense change has been observed in individual(s) with breast and/or ovarian cancer (PMID: 29215753, 30287823). ClinVar contains an entry for this variant (Variation ID: 441323). Invitae Evidence Modeling of protein sequence and biophysical properties (such as structural, functional, and spatial information, amino acid conservation, physicochemical variation, residue mobility, and thermodynamic stability) indicates that this missense variant is not expected to disrupt BRCA2 protein function with a negative predictive value of 95%. In summary, the available evidence is currently insufficient to determine the role of this variant in disease. Therefore, it has been classified as a Variant of Uncertain Significance.

Dasa
Classification: Uncertain significance for Breast-ovarian cancer, familial, susceptibility to, 2. Last evaluated: 2025-01-31. Review status: criteria provided, single submitter. Criteria: DASA Assertion Criteria. Collection method: clinical testing. Allele origin: germline.
Comment: NM_000059.4(BRCA2):c.5708T>C (p.Ile1903Thr) is a missense variant that results in the substitution of isoleucine with threonine. This variant is rare in population databases. The currently available literature and clinical evidence are not sufficient to establish a definitive association between this variant and the reported condition. Therefore, this variant is classified as a variant of uncertain significance.

GeneDx
Classification: Uncertain significance. Last evaluated: 2024-12-16. Review status: criteria provided, single submitter. Criteria: GeneDx Variant Classification Process June 2021. Collection method: clinical testing. Allele origin: germline.
Comment: In silico analysis supports that this missense variant has a deleterious effect on protein structure/function; Not observed at significant frequency in large population cohorts (gnomAD); Also known as 5936T>C; This variant is associated with the following publications: (PMID: 29884841, 29215753, 32377563, 30287823)

Ambry Genetics
Classification: Uncertain significance for Hereditary cancer-predisposing syndrome. Last evaluated: 2024-03-19. Review status: criteria provided, single submitter. Criteria: Ambry Variant Classification Scheme 2023. Collection method: clinical testing. Allele origin: germline.
Comment: The p.I1903T variant (also known as c.5708T>C), located in coding exon 10 of the BRCA2 gene, results from a T to C substitution at nucleotide position 5708. The isoleucine at codon 1903 is replaced by threonine, an amino acid with similar properties. This variant was previously reported in the SNPDatabase as rs149474191. Based on data from the 1000 Genomes Project, the C allele has an overall frequency of approximately 0.05% (1/2098) total alleles studied. The highest observed frequency was 0.56% (1/178) Japanese alleles. This variant was not reported in the NHLBI Exome Sequencing Project (ESP) population-based cohort. To date, this alteration has been detected with an allele frequency of approximately 0.0004% (greater than 225000 alleles tested) in our clinical cohort. This amino acid position is not well conserved in available vertebrate species. In addition, this alteration is predicted to be tolerated by in silico analysis. Since supporting evidence is limited at this time, the clinical significance of this alteration remains unclear.

University of Washington Department of Laboratory Medicine, University of Washington
Classification: Likely benign for Hereditary cancer-predisposing syndrome. Last evaluated: 2023-03-23. Review status: criteria provided, single submitter. Criteria: Dines et al. (Genet Med. 2020). Collection method: curation. Allele origin: germline.
Comment: Missense variant in a coldspot region where missense variants are very unlikely to be pathogenic (PMID:31911673).

BRCA2 exon 11 coldspot. Reclassification based on statistical prior probability.

Women's Health and Genetics/Laboratory Corporation of America, LabCorp
Classification: Uncertain significance. Last evaluated: 2019-08-16. Review status: criteria provided, single submitter. Criteria: LabCorp Variant Classification Summary - May 2015. Collection method: clinical testing. Allele origin: germline.
Comment: Variant summary: BRCA2 c.5708T>C (p.Ile1903Thr) results in a non-conservative amino acid change in the encoded protein sequence. Three of five in-silico tools predict a benign effect of the variant on protein function. The variant allele was found at a frequency of 4e-06 in 250844 control chromosomes (gnomAD and Momozawa_2018). The available data on variant occurrences in the general population are insufficient to allow any conclusion about variant significance. c.5708T>C has been reported in the literature in an individual with suspected Hereditary Breast and Ovarian Cancer (Nakagomi_2018). This report does not provide unequivocal conclusions about association of the variant with Hereditary Breast and Ovarian Cancer. In addition, a large case-control study of Japanese breast cancer patients found no association of the variant with an increased risk for breast cancer (Momozawa_2018). To our knowledge, no experimental evidence demonstrating an impact on protein function has been reported. A ClinVar submission (evaluation after 2014) cites the variant as uncertain significance. Based on the evidence outlined above, the variant was classified as uncertain significance.

Literature cited by the submitters: PubMed 29215753 (cited by Labcorp Genetics (formerly Invitae), Labcorp and Women's Health and Genetics/Laboratory Corporation of America, LabCorp); PubMed 30287823 (cited by Labcorp Genetics (formerly Invitae), Labcorp and Women's Health and Genetics/Laboratory Corporation of America, LabCorp).